The following is an entry in ClinVar:

NM_000426.4(LAMA2):c.2233dup (p.Val745fs)

Gene: LAMA2 (laminin subunit alpha 2; plus strand). Cytogenetic location: 6q22.33.
Variant type: Duplication.
Coding change: c.2233dup on transcript NM_000426.4 (MANE Select); coding-DNA position 2233, one base duplicated (G; older notation c.2233dupG).
Protein change: p.Val745fs; shifts the reading frame from valine 745.
Molecular consequence: frameshift variant.
Genome position (GRCh38, 1-based): chr6:129,267,130, G duplicated. VCF-style (leftmost placement, unchanged base first): chr6-129267129-A-AG. GRCh37 (hg19) VCF-style: chr6-129588274-A-AG.
Other names: c.2233dup, p.Val745fs (NM_001079823.2); short protein forms V745fs.
Identifiers: ClinVar variation 1726131 (VCV001726131.3), dbSNP rs2482194191, ClinGen allele CA2580074906.

ClinVar aggregate classification (germline): Likely pathogenic (1 of 4 stars; one submission).

Conditions:
LAMA2-related muscular dystrophy (LAMA2-RD). Also called: Laminin alpha 2-related dystrophy. Identifiers: MedGen C5679788, MONDO:0100228.

Submission:

Myriad Genetics, Inc.
Classification: Likely pathogenic for LAMA2-related muscular dystrophy. Last evaluated: 2022-05-18. Review status: criteria provided, single submitter. Criteria: Myriad Autosomal Dominant, Autosomal Recessive and X-Linked Classification Criteria (2023). Collection method: clinical testing. Allele origin: unknown.
Comment: NM_000426.3(LAMA2):c.2233dupG(V745Gfs*2) is expected to be pathogenic in the context of muscular dystrophy, LAMA2-related. This variant is predicted to lead to an abnormal or absent protein product due to the creation of a premature termination codon in LAMA2, a gene where loss-of-function variants are known to be pathogenic. Please note: this variant was assessed in the context of healthy population screening.